The following is an entry in ClinVar:

ClinVar aggregate classification (germline): Pathogenic (1 of 4 stars; one submission).

Conditions:
Progressive myoclonic epilepsy. Also called: Familial progressive myoclonic epilepsy; Myoclonus epilepsy; Progressive myoclonus epilepsy; Myoclonic Epilepsies, Progressive. Identifiers: Orphanet 308, Orphanet 98261, MedGen C0751778, MONDO:0020074.

Allele frequency attached by ClinVar (database versions not stated): TOPMed below 0.00001.

Submission:

Labcorp Genetics (formerly Invitae), Labcorp
Classification: Pathogenic for Progressive myoclonic epilepsy. Last evaluated: 2023-10-03. Review status: criteria provided, single submitter. Criteria: Invitae Variant Classification Sherloc (09022015). Collection method: clinical testing. Allele origin: germline.
Comment: This sequence change creates a premature translational stop signal (p.Gln88*) in the GOSR2 gene. It is expected to result in an absent or disrupted protein product. Loss-of-function variants in GOSR2 are known to be pathogenic (PMID: 21549339). This variant is not present in population databases (gnomAD no frequency). This variant has not been reported in the literature in individuals affected with GOSR2-related conditions. ClinVar contains an entry for this variant (Variation ID: 2123629). For these reasons, this variant has been classified as Pathogenic.

Literature cited by the submitters: PubMed 21549339.

NM_004287.5(GOSR2):c.262C>T (p.Gln88Ter)

Genes: GOSR2 (golgi SNAP receptor complex member 2; plus strand), LRRC37A2 (leucine rich repeat containing 37 member A2), LOC126862578 (BRD4-independent group 4 enhancer GRCh37_chr17:45008344-45009543; plus strand). Cytogenetic location: 17q21.32.
Variant type: single nucleotide variant.
Coding change: c.262C>T on transcript NM_004287.5 (MANE Select); coding-DNA position 262, C replaced by T.
Protein change: p.Gln88Ter; replaces glutamine 88 with a stop codon.
Molecular consequence: nonsense. On other transcripts: non-coding transcript variant (3).
Genome position (GRCh38, 1-based): chr17:46,932,125, C>T. VCF-style: chr17-46932125-C-T. GRCh37 (hg19) VCF-style: chr17-45009491-C-T.
Other names: c.262C>T, p.Gln88Ter (NM_001012511.3, NM_001321133.2, NM_001330252.2 and 1 more transcripts); c.208C>T, p.Gln70Ter (NM_001321134.2, NM_001363851.2); c.259C>T, p.Gln87Ter (NM_001353114.2, NM_001353115.2, NM_001353116.2); short protein forms Q87*, Q70*, Q88*.
Identifiers: ClinVar variation 2123629 (VCV002123629.4), dbSNP rs2087484070, ClinGen allele CA400016974.